The following is an entry in ClinVar:

ClinVar aggregate classification (germline): Pathogenic (1 of 4 stars; one submission).

Conditions:
Autosomal recessive limb-girdle muscular dystrophy type 2T. Also called: Limb-girdle muscular dystrophy-dystroglycanopathy, type C14; MUSCULAR DYSTROPHY-DYSTROGLYCANOPATHY, LIMB-GIRDLE, GMPPB-RELATED; MUSCULAR DYSTROPHY, LIMB-GIRDLE, TYPE 2T; Muscular dystrophy-dystroglycanopathy (limb-girdle), type c, 14. Identifiers: Orphanet 363623, MedGen C4518000, MONDO:0014142, OMIM 615352.
Muscular dystrophy-dystroglycanopathy (congenital with impaired intellectual development), type B, 14. Also called: Congenital muscular dystrophy-dystroglycanopathy with mental retardation, type B14; MUSCULAR DYSTROPHY, CONGENITAL, GMPPB-RELATED; Muscular dystrophy-dystroglycanopathy (congenital with intellectual disability), type B14. Identifiers: MedGen C3809221, MONDO:0014141, OMIM 615351.
Muscular dystrophy-dystroglycanopathy (congenital with brain and eye anomalies), type A14. Also called: Congenital Muscular Dystrophy-Dystroglycanopathy with Brain and Eye Anomalies Type A 14; Congenital muscular dystrophy-dystroglycanopathy with brain and eye anomalies, type A14; WALKER-WARBURG SYNDROME OR MUSCLE-EYE-BRAIN DISEASE, GMPPB-RELATED; Muscular dystrophy-dystroglycanopathy (congenital with brain and eye anomalies), type a, 14. Identifiers: Orphanet 588, MedGen C3809216, MONDO:0014140, OMIM 615350.

Submission:

Labcorp Genetics (formerly Invitae), Labcorp
Classification: Pathogenic for Autosomal recessive limb-girdle muscular dystrophy type 2T; Muscular dystrophy-dystroglycanopathy (congenital with brain and eye anomalies), type A14; Muscular dystrophy-dystroglycanopathy (congenital with impaired intellectual development), type B, 14. Last evaluated: 2023-10-24. Review status: criteria provided, single submitter. Criteria: Invitae Variant Classification Sherloc (09022015). Collection method: clinical testing. Allele origin: germline.
Comment: This sequence change creates a premature translational stop signal (p.Leu207Alafs*36) in the GMPPB gene. It is expected to result in an absent or disrupted protein product. Loss-of-function variants in GMPPB are known to be pathogenic (PMID: 23768512, 26310427). This variant is not present in population databases (gnomAD no frequency). This variant has not been reported in the literature in individuals affected with GMPPB-related conditions. Algorithms developed to predict the effect of sequence changes on RNA splicing suggest that this variant may disrupt the consensus splice site. For these reasons, this variant has been classified as Pathogenic.

Literature cited by the submitters: PubMed 23768512; PubMed 26310427.

NM_021971.4(GMPPB):c.618dup (p.Leu207fs)

Gene: GMPPB (GDP-mannose pyrophosphorylase B; minus strand). Cytogenetic location: 3p21.31.
Variant type: Duplication.
Coding change: c.618dup on transcript NM_021971.4 (MANE Select); coding-DNA position 618, one base duplicated (G; older notation c.618dupG).
Protein change: p.Leu207fs; shifts the reading frame from leucine 207.
Molecular consequence: frameshift variant.
Genome position (GRCh38, 1-based): chr3:49,722,454, C duplicated on the plus strand (G on the coding strand, the reverse complement: GMPPB is on the minus strand). VCF-style (leftmost placement, unchanged base first): chr3-49722453-G-GC. GRCh37 (hg19) VCF-style: chr3-49759886-G-GC.
Other names: c.618dup, p.Leu207fs (NM_013334.4); short protein forms L207fs.
Identifiers: ClinVar variation 2953265 (VCV002953265.3), dbSNP rs2544753930, ClinGen allele CA2740094433.
Genomic context (GRCh38, chr3:49,722,453, plus strand): 5'-GCCACAGACCACCCCCACCCTGTGGCCTCCCTGCCTCACCCTGTAACTCCATGGCATATA[G>GC]CTGCCCCTCCTTGGCCATAATGGGGAAGACCTCCTTCTCAATGGACGTAGGCTGCAGCTG-3'